The following is an entry in ClinVar:

ClinVar aggregate classification (germline): Uncertain significance (1 of 4 stars; one submission).

Conditions:
Epilepsy, childhood absence, susceptibility to, 1. Also called: Epilepsy, childhood absence 1. Identifiers: Orphanet 64280, MedGen C1838604, MONDO:0020759, OMIM 600131.
Epilepsy, childhood absence, susceptibility to, 5. Identifiers: Orphanet 64280, MedGen C2677087, MONDO:0012843, OMIM 612269.

Submission:

Labcorp Genetics (formerly Invitae), Labcorp
Classification: Uncertain significance for Epilepsy, childhood absence, susceptibility to, 5; Epilepsy, childhood absence, susceptibility to, 1. Last evaluated: 2023-12-23. Review status: criteria provided, single submitter. Criteria: Invitae Variant Classification Sherloc (09022015). Collection method: clinical testing. Allele origin: germline.
Comment: This sequence change falls in intron 5 of the GABRB3 gene. It does not directly change the encoded amino acid sequence of the GABRB3 protein. This variant is not present in population databases (gnomAD no frequency). This variant has not been reported in the literature in individuals affected with GABRB3-related conditions. Algorithms developed to predict the effect of sequence changes on RNA splicing suggest that this variant may disrupt the consensus splice site. In summary, the available evidence is currently insufficient to determine the role of this variant in disease. Therefore, it has been classified as a Variant of Uncertain Significance.

NM_000814.6(GABRB3):c.544+11G>T

Gene: GABRB3 (gamma-aminobutyric acid type A receptor subunit beta3; minus strand). Cytogenetic location: 15q12.
Variant type: single nucleotide variant.
Coding change: c.544+11G>T on transcript NM_000814.6 (MANE Select); 11 bases into the intron after coding-DNA position 544, G replaced by T.
Molecular consequence: intron variant.
Genome position (GRCh38, 1-based): chr15:26,583,321, C>A on the plus strand (G>T on the coding strand, the complement: GABRB3 is on the minus strand). VCF-style: chr15-26583321-C-A. GRCh37 (hg19) VCF-style: chr15-26828468-C-A.
Other names: c.544+11G>T (NM_021912.5); c.289+11G>T (NM_001278631.2, NM_001191320.2); c.331+11G>T (NM_001191321.3).
Identifiers: ClinVar variation 2951613 (VCV002951613.3), dbSNP rs1374837606, ClinGen allele CA2165770472.